The following is an entry in ClinVar:

NM_000368.5(TSC1):c.1424A>G (p.Lys475Arg)

Gene: TSC1 (TSC complex subunit 1; minus strand). Cytogenetic location: 9q34.13.
Variant type: single nucleotide variant.
Coding change: c.1424A>G on transcript NM_000368.5 (MANE Select); coding-DNA position 1424, A replaced by G.
Protein change: p.Lys475Arg; replaces lysine 475 with arginine.
Molecular consequence: missense variant.
Genome position (GRCh38, 1-based): chr9:132,906,745, T>C on the plus strand (A>G on the coding strand, the complement: TSC1 is on the minus strand). VCF-style: chr9-132906745-T-C. GRCh37 (hg19) VCF-style: chr9-135782132-T-C.
Other names: c.1424A>G (NM_000368.4); c.1421A>G, p.Lys474Arg (NM_001162426.2); c.1271A>G, p.Lys424Arg (NM_001162427.2); c.1061A>G, p.Lys354Arg (NM_001362177.2); short protein forms K424R, K354R, K474R, K475R.
Identifiers: ClinVar variation 1473411 (VCV001473411.8), dbSNP rs2131862407, ClinGen allele CA375365799.
Genomic context (GRCh38, chr9:132,906,745, plus strand): 5'-GCGAGGGTCAGGTTTTATCAACTCATAGCAATCCCACATACATTACCTTCTTCTTTATCT[T>C]TTTCAATACTATCTTCTTCAGAGGCCAGATCACCTAAAAACCCTGGAAGATCACTTAGAG-3'
Protein context (NP_000359.1, residues 465-485): DLASEEDSIE[Lys475Arg]DKEEAAISRE

ClinVar aggregate classification (germline): Uncertain significance. Review status: criteria provided, multiple submitters, no conflicts (2 of 4 stars). 3 submissions from 3 submitters: Uncertain significance (3). Last evaluated 2024-04-25.

Conditions:
Tuberous sclerosis syndrome (TSC). Also called: Tuberous Sclerosis Complex; Tuberous sclerosis. Identifiers: Orphanet 805, MedGen C0041341, MONDO:0001734.
Tuberous sclerosis 1 (TSC1). Identifiers: Orphanet 805, MedGen C1854465, MONDO:0008612, OMIM 191100.
Hereditary cancer-predisposing syndrome. Also called: Hereditary neoplastic syndrome; Tumor predisposition; Neoplastic Syndromes, Hereditary; Hereditary Cancer Syndrome. Identifiers: Orphanet 140162, MedGen C0027672, MeSH D009386, MONDO:0015356.

Submissions (3):

All of Us Research Program, National Institutes of Health
Classification: Uncertain significance for Tuberous sclerosis syndrome. Last evaluated: 2024-04-25. Review status: criteria provided, single submitter. Criteria: ACMG Guidelines, 2015. Collection method: clinical testing. Allele origin: germline. Inheritance: Autosomal dominant inheritance. Observed: 1 variant allele, 1 heterozygote.
Comment: This missense variant replaces lysine with arginine at codon 475 of the TSC1 protein. Computational prediction suggests that this variant may not impact protein structure and function (internally defined REVEL score threshold <= 0.5, PMID: 27666373). To our knowledge, functional studies have not been reported for this variant. This variant has not been reported in individuals affected with TSC1-related disorders in the literature. This variant has not been identified in the general population by the Genome Aggregation Database (gnomAD). The available evidence is insufficient to determine the role of this variant in disease conclusively. Therefore, this variant is classified as a Variant of Uncertain Significance.

This study involves interpretation of variants in research participants for the purpose of population health screening. Participant phenotype was not available at the time of variant classification. Additional details can be found in publication PMID: 35346344, PMCID: PMC8962531

Ambry Genetics
Classification: Uncertain significance for Hereditary cancer-predisposing syndrome. Last evaluated: 2024-01-16. Review status: criteria provided, single submitter. Criteria: Ambry Variant Classification Scheme 2023. Collection method: clinical testing. Allele origin: germline.
Comment: The p.K475R variant (also known as c.1424A>G), located in coding exon 12 of the TSC1 gene, results from an A to G substitution at nucleotide position 1424. The lysine at codon 475 is replaced by arginine, an amino acid with highly similar properties. This amino acid position is conserved. In addition, the in silico prediction for this alteration is inconclusive. Since supporting evidence is limited at this time, the clinical significance of this alteration remains unclear.

Labcorp Genetics (formerly Invitae), Labcorp
Classification: Uncertain significance for Tuberous sclerosis 1. Last evaluated: 2022-08-31. Review status: criteria provided, single submitter. Criteria: Invitae Variant Classification Sherloc (09022015). Collection method: clinical testing. Allele origin: germline.
Comment: In summary, the available evidence is currently insufficient to determine the role of this variant in disease. Therefore, it has been classified as a Variant of Uncertain Significance. Algorithms developed to predict the effect of missense changes on protein structure and function are either unavailable or do not agree on the potential impact of this missense change (SIFT: "Tolerated"; PolyPhen-2: "Probably Damaging"; Align-GVGD: "Class C0"). This variant is not present in population databases (gnomAD no frequency). This sequence change replaces lysine, which is basic and polar, with arginine, which is basic and polar, at codon 475 of the TSC1 protein (p.Lys475Arg). ClinVar contains an entry for this variant (Variation ID: 1473411). This variant has not been reported in the literature in individuals affected with TSC1-related conditions.